The following is an entry in ClinVar:

ClinVar aggregate classification (germline): Uncertain significance. Review status: criteria provided, multiple submitters, no conflicts (2 of 4 stars). 2 submissions from 2 submitters: Uncertain significance (2). Last evaluated 2025-10-27.

Conditions:
Inborn genetic diseases. Identifiers: MedGen C0950123, MeSH D030342.

gnomAD v4.1: 11 of 1,611,434 alleles (0.00068%); highest among the groups gnomAD compares: Non-Finnish European, 0.00085%; no homozygotes.

Submissions (2):

Ambry Genetics
Classification: Uncertain significance for Inborn genetic diseases. Last evaluated: 2025-10-27. Review status: criteria provided, single submitter. Criteria: Ambry Variant Classification Scheme 2023. Collection method: clinical testing. Allele origin: germline.

GeneDx
Classification: Uncertain significance. Last evaluated: 2023-05-21. Review status: criteria provided, single submitter. Criteria: GeneDx Variant Classification Process June 2021. Collection method: clinical testing. Allele origin: germline. Affected: yes.
Comment: Not observed at significant frequency in large population cohorts (gnomAD); In silico analysis supports that this missense variant does not alter protein structure/function; Has not been previously published as pathogenic or benign to our knowledge

NM_019023.5(PRMT7):c.2071C>T (p.Pro691Ser)

Gene: PRMT7 (protein arginine methyltransferase 7; plus strand). Cytogenetic location: 16q22.1.
Variant type: single nucleotide variant.
Coding change: c.2071C>T on transcript NM_019023.5 (MANE Select); coding-DNA position 2071, C replaced by T.
Protein change: p.Pro691Ser; replaces proline 691 with serine.
Molecular consequence: missense variant. On other transcripts: non-coding transcript variant (11), intron variant (1).
Genome position (GRCh38, 1-based): chr16:68,357,216, C>T. VCF-style: chr16-68357216-C-T. GRCh37 (hg19) VCF-style: chr16-68391119-C-T.
Other names: c.1921C>T, p.Pro641Ser (NM_001184824.4); c.2071C>T, p.Pro691Ser (NM_001290018.2, NM_001378018.1); c.2074C>T, p.Pro692Ser (NM_001351144.3); c.1864C>T, p.Pro622Ser (NM_001378020.1); c.1834C>T, p.Pro612Ser (NM_001378021.1, NM_001378022.1, NM_001378023.1); c.2057+14C>T (NM_001351143.3); short protein forms P612S, P622S, P641S, P691S, P692S.
Identifiers: ClinVar variation 3343502 (VCV003343502.2).
Genomic context (GRCh38, chr16:68,357,216, plus strand): 5'-GCAGTGGAGTTTCACCCCGACACAGGCGACATCATCATGGAGTTCAGGCATGCAGATACC[C>T]CAGACTGACCACTCTTGAGCAATAAAGTGGCCTGAGGGCTGGGGTTCTGAGTGGCTCATG-3'
Protein context (NP_061896.1, residues 681-692): IIMEFRHADT[Pro691Ser]D